The following is an entry in ClinVar:

NM_001267550.2(TTN):c.83618T>C (p.Val27873Ala)

Genes: TTN (titin; minus strand), TTN-AS1 (TTN antisense RNA 1; plus strand). Cytogenetic location: 2q31.2.
Variant type: single nucleotide variant.
Coding change: c.83618T>C on transcript NM_001267550.2 (MANE Select); coding-DNA position 83618, T replaced by C.
Protein change: p.Val27873Ala; replaces valine 27873 with alanine.
Molecular consequence: missense variant.
Genome position (GRCh38, 1-based): chr2:178,562,514, A>G on the plus strand (T>C on the coding strand, the complement: TTN is on the minus strand). VCF-style: chr2-178562514-A-G. GRCh37 (hg19) VCF-style: chr2-179427241-A-G.
Other names: p.Val26232Ala; c.78695T>C, p.Val26232Ala (NM_001256850.1); c.56423T>C, p.Val18808Ala (NM_003319.4); c.75914T>C, p.Val25305Ala (NM_133378.4); c.56798T>C, p.Val18933Ala (NM_133432.3); c.56999T>C, p.Val19000Ala (NM_133437.4); short protein forms V27873A, V25305A, V18808A, V19000A, V18933A, V26232A.
Identifiers: ClinVar variation 47428 (VCV000047428.41), dbSNP rs200775919, ClinGen allele CA140964.

ClinVar aggregate classification (germline): Conflicting classifications of pathogenicity. Review status: criteria provided, conflicting classifications (1 of 4 stars). 16 submissions from 12 submitters: Uncertain significance (9); Benign (2); Likely benign (4). 1 of the submissions does not count toward it. Last evaluated 2026-04-01.

Conditions:
TTN-related disorder. Also called: TTN-related condition; TTN-related disease; TTN-related disorders.
Cardiovascular phenotype. Identifiers: MedGen CN230736.
Dilated cardiomyopathy 1G (CMD1G). Identifiers: Orphanet 154, MedGen C1858763, MONDO:0011400, OMIM 604145.
Autosomal recessive limb-girdle muscular dystrophy type 2J (LGMDR10). Also called: Limb-girdle muscular dystrophy, type 2J; MUSCULAR DYSTROPHY, LIMB-GIRDLE, AUTOSOMAL RECESSIVE 10. Identifiers: Orphanet 140922, MedGen C1837342, MONDO:0012127, OMIM 608807.
Myopathy, myofibrillar, 9, with early respiratory failure (MFM9). Also called: Hereditary myopathy with early respiratory failure; Myopathy, distal, with early respiratory failure, autosomal dominant; EDSTROM MYOPATHY; MYOPATHY, PROXIMAL, WITH EARLY RESPIRATORY MUSCLE INVOLVEMENT. Identifiers: Orphanet 178464, Orphanet 34521, MedGen C1863599, MONDO:0011362, OMIM 603689.
Tibial muscular dystrophy (TMD). Also called: Udd Distal Myopathy – Tibial Muscular Dystrophy; Tibial muscular dystrophy, tardive; UDD MYOPATHY. Identifiers: Orphanet 609, MedGen C1838244, MONDO:0010870, OMIM 600334.
Early-onset myopathy with fatal cardiomyopathy (CMYO5). Also called: Salih Myopathy; CONGENITAL MYOPATHY 5 WITH CARDIOMYOPATHY. Identifiers: Orphanet 289377, MedGen C2673677, MONDO:0012714, OMIM 611705. Disease mechanism: loss of function.
Hypertrophic cardiomyopathy 9. Also called: Familial hypertrophic cardiomyopathy 9. Identifiers: MedGen C1861065, MONDO:0013412, OMIM 613765.

Allele frequency attached by ClinVar (database versions not stated): gnomAD exomes 0.00013 and 0.00025; ExAC 0.00015; ESP Exome Variant Server 0.00017; gnomAD 0.00017 and 0.00018; TOPMed 0.00020.
gnomAD v4.1: 241 of 1,611,676 alleles (0.015%); highest among the groups gnomAD compares: Middle Eastern, 0.033%; no homozygotes.

Submissions (16):

CeGaT Center for Human Genetics Tuebingen
Classification: Likely benign. Last evaluated: 2026-04-01. Review status: criteria provided, single submitter. Criteria: CeGaT Center For Human Genetics Tuebingen Variant Classification Criteria Version 2. Collection method: clinical testing. Allele origin: germline. Affected: yes. Observed: 2 variant alleles.
Comment: TTN: BP4

Mayo Clinic Laboratories, Mayo Clinic
Classification: Likely benign. Last evaluated: 2025-09-15. Review status: criteria provided, single submitter. Criteria: ACMG Guidelines, 2015. Collection method: clinical testing. Allele origin: germline. Observed: 1 variant allele.
Comment: BS1, BP4_moderate

Women's Health and Genetics/Laboratory Corporation of America, LabCorp
Classification: Uncertain significance. Last evaluated: 2024-11-29. Review status: criteria provided, single submitter. Criteria: LabCorp Variant Classification Summary - May 2015. Collection method: clinical testing. Allele origin: germline.
Comment: Variant summary: TTN c.75914T>C (p.Val25305Ala), corresponding to c.83618T>C (p.Val2787Ala) in NM_001267550, results in a non-conservative amino acid change located in the A-band of the encoded protein sequence. Two of four in-silico tools predict a benign effect of the variant on protein function. The variant allele was found at a frequency of 0.00025 in 246160 control chromosomes. This frequency is not significantly higher than estimated for a pathogenic variant in TTN causing Cardiomyopathy (0.00025 vs 0.00063), allowing no conclusion about variant significance. To our knowledge, no occurrence of c.75914T>C in individuals affected with Cardiomyopathy and no experimental evidence demonstrating its impact on protein function have been reported. ClinVar contains an entry for this variant (Variation ID: 47428). Based on the evidence outlined above, the variant was classified as VUS-possibly benign.

GeneDx
Classification: Likely benign. Last evaluated: 2020-10-06. Review status: criteria provided, single submitter. Criteria: GeneDx Variant Classification Process June 2021. Collection method: clinical testing. Allele origin: germline. Affected: yes.

Ambry Genetics
Classification: Likely benign for Cardiovascular phenotype. Last evaluated: 2020-01-06. Review status: criteria provided, single submitter. Criteria: Ambry Variant Classification Scheme 2023. Collection method: clinical testing. Allele origin: germline.

Fulgent Genetics
Classification: Uncertain significance for Tibial muscular dystrophy; Myopathy, myofibrillar, 9, with early respiratory failure; Dilated cardiomyopathy 1G; Autosomal recessive limb-girdle muscular dystrophy type 2J; Early-onset myopathy with fatal cardiomyopathy; Hypertrophic cardiomyopathy 9. Last evaluated: 2018-10-31. Review status: criteria provided, single submitter. Criteria: ACMG Guidelines, 2015. Collection method: clinical testing. Allele origin: unknown.

Illumina Laboratory Services, Illumina
Classification: Benign for Tibial muscular dystrophy. Last evaluated: 2018-01-13. Review status: criteria provided, single submitter. Criteria: ICSL Variant Classification Criteria 13 December 2019. Collection method: clinical testing. Allele origin: germline.
Comment: This variant was observed in the ICSL laboratory as part of a predisposition screen in an ostensibly healthy population. It had not been previously curated by ICSL or reported in the Human Gene Mutation Database (HGMD: prior to June 1st, 2018), and was therefore a candidate for classification through an automated scoring system. Utilizing variant allele frequency, disease prevalence and penetrance estimates, and inheritance mode, an automated score was calculated to assess if this variant is too frequent to cause the disease. Based on the score and internal cut-off values, a variant classified as benign is not then subjected to further curation. The score for this variant resulted in a classification of benign for this disease.

Illumina Laboratory Services, Illumina
Classification: Uncertain significance for Autosomal recessive limb-girdle muscular dystrophy type 2J. Last evaluated: 2018-01-13. Review status: criteria provided, single submitter. Criteria: ICSL Variant Classification Criteria 13 December 2019. Collection method: clinical testing. Allele origin: germline.

Illumina Laboratory Services, Illumina
Classification: Benign for Myopathy, myofibrillar, 9, with early respiratory failure. Last evaluated: 2018-01-13. Review status: criteria provided, single submitter. Criteria: ICSL Variant Classification Criteria 13 December 2019. Collection method: clinical testing. Allele origin: germline.
Comment: the same text as in the submission from Illumina Laboratory Services, Illumina above.

Illumina Laboratory Services, Illumina
Classification: Uncertain significance for Dilated cardiomyopathy 1G. Last evaluated: 2018-01-13. Review status: criteria provided, single submitter. Criteria: ICSL Variant Classification Criteria 13 December 2019. Collection method: clinical testing. Allele origin: germline.

Illumina Laboratory Services, Illumina
Classification: Uncertain significance for Early-onset myopathy with fatal cardiomyopathy. Last evaluated: 2018-01-13. Review status: criteria provided, single submitter. Criteria: ICSL Variant Classification Criteria 13 December 2019. Collection method: clinical testing. Allele origin: germline.

Labcorp Genetics (formerly Invitae), Labcorp
Classification: Uncertain significance for Dilated cardiomyopathy 1G; Autosomal recessive limb-girdle muscular dystrophy type 2J. Last evaluated: 2017-05-18. Review status: criteria provided, single submitter. Criteria: Invitae Variant Classification Sherloc (09022015). Collection method: clinical testing. Allele origin: germline.

Eurofins Ntd Llc (ga)
Classification: Uncertain significance. Last evaluated: 2015-05-04. Review status: criteria provided, single submitter. Criteria: EGL Classification Definitions 2015. Collection method: clinical testing. Allele origin: germline. Observed: 2 variant alleles, 2 heterozygotes.

Laboratory for Molecular Medicine, Mass General Brigham Personalized Medicine
Classification: Uncertain significance. Last evaluated: 2013-11-05. Review status: criteria provided, single submitter. Criteria: LMM Criteria. Collection method: clinical testing. Allele origin: germline. Observed: 2 variant alleles.
Comment: The Val25305Ala variant in TTN has now been identified by our laboratory in 2 in dividuals with cardiomyopathy (1 adult with HCM and 1 neonate with DCM). It has been identified in 2/8228 European American chromosomes by the NHLBI Exome Sequ encing Project (dbSNP rs200775919). Computati onal analyses (biochemical amino acid properties, conservation, AlignGVGD, PolyP hen2, and SIFT) do not provide strong support for or against an impact to the pr otein. Additional information is needed to fully assess the clinical significanc e of the Val25305Ala variant.

Biesecker Lab/Clinical Genomics Section, National Institutes of Health
Classification: Uncertain significance. Last evaluated: 2013-06-24. Review status: criteria provided, single submitter. Criteria: Ng et al. (Circ Cardiovasc Genet. 2013). Collection method: research. Allele origin: unknown. Observed: 1 variant allele. Study: ClinSeq.
Comment: The study set was not selected for affection status in relation to any cancer. Pathogenicity categories were based on literature curation. See Pubmed ID:23861362 for details.

Medical sequencing

PreventionGenetics, part of Exact Sciences
Classification: Likely benign for TTN-related condition. Last evaluated: 2022-03-15. Review status: no assertion criteria provided. Collection method: clinical testing. Allele origin: germline. Not counted in ClinVar's aggregate classification.
Comment: This variant is classified as likely benign based on ACMG/AMP sequence variant interpretation guidelines (Richards et al. 2015 PMID: 25741868, with internal and published modifications).